The following is an entry in ClinVar:

ClinVar aggregate classification (germline): Conflicting classifications of pathogenicity. Review status: no assertion criteria provided (0 of 4 stars). 4 submissions from 4 submitters: Pathogenic (1); Likely pathogenic (1); Uncertain significance (1). 1 of the submissions does not count toward it. Last evaluated 2022-06-01.

Conditions:
Perry syndrome. Also called: PARKINSONISM WITH ALVEOLAR HYPOVENTILATION AND MENTAL DEPRESSION. Identifiers: Orphanet 178509, MedGen C1868594, MONDO:0008201, OMIM 168605.
Neuronopathy, distal hereditary motor, type 7B. Also called: NEURONOPATHY, DISTAL HEREDITARY MOTOR, AUTOSOMAL DOMINANT 14; NEURONOPATHY, DISTAL HEREDITARY MOTOR, HARDING TYPE VIIB; NEUROPATHY, DISTAL HEREDITARY MOTOR, HARDING TYPE VIIB; NEUROPATHY, DISTAL HEREDITARY MOTOR, WITH VOCAL CORD PARALYSIS, HARDING TYPE VIIB; LOWER MOTOR NEURON DISEASE, DYNACTIN TYPE; HMN VIIB. Identifiers: Orphanet 139589, MedGen C1843315, MONDO:0011879, OMIM 607641.

Submissions (4):

Solve-RD Consortium
Classification: Likely pathogenic for Neuronopathy, distal hereditary motor, type 7B. Last evaluated: 2022-06-01. Review status: no assertion criteria provided. Collection method: provider interpretation. Allele origin: inherited. Affected: yes.
Comment: Variant confirmed as disease-causing by referring clinical team

Variant identified during reanalysis of unsolved cases by the Solve-RD project. The Solve-RD project has received funding from the European Union’s Horizon 2020 research and innovation programme under grant agreement No 779257.

Inherited Neuropathy Consortium Ii, University Of Miami
Classification: Uncertain significance for Perry syndrome. Last evaluated: 2016-01-06. Review status: no assertion criteria provided. Collection method: literature only. Allele origin: germline. Affected: yes.

OMIM
Classification: Pathogenic for PERRY SYNDROME. Last evaluated: 2010-04-30. Review status: no assertion criteria provided. Collection method: literature only. Allele origin: germline.

GeneReviews
No classification provided. Condition: Perry syndrome. Review status: no classification provided. Collection method: literature only. Allele origin: germline. Not counted in ClinVar's aggregate classification.
Comment: Most common variant reported

Literature cited by the submitters: PubMed 39825153 (cited by Solve-RD Consortium); PubMed 19136952 (cited by Inherited Neuropathy Consortium Ii, University Of Miami and OMIM); PubMed 20437543 (cited by OMIM); NCBI Bookshelf NBK47027 (cited by GeneReviews); PubMed 20945553 (cited by GeneReviews).

NM_004082.5(DCTN1):c.211G>A (p.Gly71Arg)

Gene: DCTN1 (dynactin subunit 1; minus strand). Cytogenetic location: 2p13.1.
Variant type: single nucleotide variant.
Coding change: c.211G>A on transcript NM_004082.5 (MANE Select); coding-DNA position 211, G replaced by A.
Protein change: p.Gly71Arg; replaces glycine 71 with arginine.
Molecular consequence: missense variant. On other transcripts: non-coding transcript variant (1).
Genome position (GRCh38, 1-based): chr2:74,378,068, C>T on the plus strand (G>A on the coding strand, the complement: DCTN1 is on the minus strand). VCF-style: chr2-74378068-C-T. GRCh37 (hg19) VCF-style: chr2-74605195-C-T.
Other names: c.211G>A, p.Gly71Arg (NM_001135040.3, NM_001190837.2); c.160G>A, p.Gly54Arg (NM_001190836.2, NM_001378991.1, NM_001378992.1); short protein forms G71R, G54R.
Identifiers: ClinVar variation 8406 (VCV000008406.5), dbSNP rs72466485, ClinGen allele CA340782.